The following is an entry in ClinVar:

ClinVar aggregate classification (germline): Pathogenic (1 of 4 stars; one submission).

Conditions:
Arrhythmogenic right ventricular dysplasia 11. Also called: Arrhythmogenic Right Ventricular Dysplasia/Cardiomyopathy11; ARRHYTHMOGENIC RIGHT VENTRICULAR DYSPLASIA, FAMILIAL, 11; Arrhythmogenic right ventricular dysplasia 11 with mild palmoplantar keratoderma and woolly hair. Identifiers: MedGen C1864850, MONDO:0012506, OMIM 610476.

Submission:

Labcorp Genetics (formerly Invitae), Labcorp
Classification: Pathogenic for Arrhythmogenic right ventricular dysplasia 11. Last evaluated: 2022-04-07. Review status: criteria provided, single submitter. Criteria: Invitae Variant Classification Sherloc (09022015). Collection method: clinical testing. Allele origin: germline.
Comment: For these reasons, this variant has been classified as Pathogenic. This variant has not been reported in the literature in individuals affected with DSC2-related conditions. This variant is not present in population databases (gnomAD no frequency). This sequence change creates a premature translational stop signal (p.Leu396*) in the DSC2 gene. It is expected to result in an absent or disrupted protein product. Loss-of-function variants in DSC2 are known to be pathogenic (PMID: 23911551).

Literature cited by the submitters: PubMed 23911551.

NM_024422.6(DSC2):c.1187T>G (p.Leu396Ter)

Gene: DSC2 (desmocollin 2; minus strand). Cytogenetic location: 18q12.1.
Variant type: single nucleotide variant.
Coding change: c.1187T>G on transcript NM_024422.6 (MANE Select); coding-DNA position 1187, T replaced by G.
Protein change: p.Leu396Ter; replaces leucine 396 with a stop codon.
Molecular consequence: nonsense.
Genome position (GRCh38, 1-based): chr18:31,082,314, A>C on the plus strand (T>G on the coding strand, the complement: DSC2 is on the minus strand). VCF-style: chr18-31082314-A-C. GRCh37 (hg19) VCF-style: chr18-28662280-A-C.
Other names: c.758T>G, p.Leu253Ter (NM_001406506.1, NM_001406507.1); c.1187T>G, p.Leu396Ter (NM_004949.5); short protein forms L253*, L396*.
Identifiers: ClinVar variation 2413319 (VCV002413319.5), dbSNP rs2510948314, ClinGen allele CA402109650.
Genomic context (GRCh38, chr18:31,082,314, plus strand): 5'-ACTCCTTCATTGGTTTTGGCATCTGTTACAATTTTAAAATTGCCATTTTCATTGCCCTTT[A>C]AAATGGTATAATTAGCTCTCCAGTTAGCAGTATTCACTAAGTCCTTATCCTCAACAGTAA-3'